The following is an entry in ClinVar:

ClinVar aggregate classification (germline): Uncertain significance (1 of 4 stars; one submission).

Conditions:
Familial thoracic aortic aneurysm and aortic dissection (TAAD). Also called: Thoracic aortic aneurysms and dissections. Identifiers: Orphanet 91387, MedGen C4707243, MONDO:0019625.

Allele frequency attached by ClinVar (database versions not stated): TOPMed below 0.00001; gnomAD 0.00001.
gnomAD v4.1: 1 of 1,613,876 alleles (0.000062%); highest among the groups gnomAD compares: African/African-American, 0.0013%; no homozygotes.

Submission:

All of Us Research Program, National Institutes of Health
Classification: Uncertain significance for Familial thoracic aortic aneurysm and aortic dissection. Last evaluated: 2023-05-04. Review status: criteria provided, single submitter. Criteria: ACMG Guidelines, 2015. Collection method: clinical testing. Allele origin: germline. Inheritance: Autosomal dominant inheritance. Observed: 1 variant allele, 1 heterozygote.
Comment: This missense variant replaces lysine with methionine at codon 1386 of the MYH11 protein. Computational prediction suggests that this variant may have deleterious impact on protein structure and function (internally defined REVEL score threshold >= 0.7, PMID: 27666373). To our knowledge, functional studies have not been reported for this variant. This variant has not been reported in individuals affected with MYH11-related disorders in the literature. This variant has not been identified in the general population by the Genome Aggregation Database (gnomAD). The available evidence is insufficient to determine the role of this variant in disease conclusively. Therefore, this variant is classified as a Variant of Uncertain Significance.

This study involves interpretation of variants in research participants for the purpose of population health screening. Participant phenotype was not available at the time of variant classification. Additional details can be found in publication PMID: 35346344, PMCID: PMC8962531

NM_002474.3(MYH11):c.4136A>T (p.Lys1379Met)

Genes: MYH11 (myosin heavy chain 11; minus strand), NDE1 (nudE neurodevelopment protein 1; plus strand). Cytogenetic location: 16p13.11.
Variant type: single nucleotide variant.
Coding change: c.4136A>T on transcript NM_002474.3 (MANE Select); coding-DNA position 4136, A replaced by T.
Protein change: p.Lys1379Met; replaces lysine 1379 with methionine.
Molecular consequence: missense variant. On other transcripts: 3 prime UTR variant (2).
Genome position (GRCh38, 1-based): chr16:15,724,390, T>A on the plus strand (A>T on the coding strand, the complement: MYH11 is on the minus strand). VCF-style: chr16-15724390-T-A. GRCh37 (hg19) VCF-style: chr16-15818247-T-A.
Other names: c.4157A>T, p.Lys1386Met (NM_001040113.2, NM_001040114.2); c.4136A>T, p.Lys1379Met (NM_022844.3); c.*139T>A (NM_001143979.2, NM_017668.3); short protein forms K1379M, K1386M.
Identifiers: ClinVar variation 3070693 (VCV003070693.1), dbSNP rs1333178035, ClinGen allele CA394857513.
Genomic context (GRCh38, chr16:15,724,390, plus strand): 5'-TTCTGGAACCTCTTCTTCCCCTCTTCCAGAGCTTCCACGGTGCTGGCAAAGTCCTGCAGC[T>A]TCTTCTTCGAGTCGGAGAGCTACAAGGACAGCGTCCAGGGTAGGGTGAGAGGGGGACCAT-3'
Protein context (NP_002465.1, residues 1369-1389): LNIQLSDSKK[Lys1379Met]LQDFASTVEA